The following is an entry in ClinVar:

NM_004646.4(NPHS1):c.251G>C (p.Arg84Pro)

Genes: KIRREL2 (kirre like nephrin family adhesion molecule 2; plus strand), NPHS1 (NPHS1 adhesion molecule, nephrin; minus strand). Cytogenetic location: 19q13.12.
Variant type: single nucleotide variant.
Coding change: c.251G>C on transcript NM_004646.4 (MANE Select); coding-DNA position 251, G replaced by C.
Protein change: p.Arg84Pro; replaces arginine 84 with proline.
Molecular consequence: missense variant.
Genome position (GRCh38, 1-based): chr19:35,851,480, C>G on the plus strand (G>C on the coding strand, the complement: NPHS1 is on the minus strand). VCF-style: chr19-35851480-C-G. GRCh37 (hg19) VCF-style: chr19-36342382-C-G.
Other names: short protein forms R84P.
Identifiers: ClinVar variation 3602172 (VCV003602172.1).

ClinVar aggregate classification (germline): Uncertain significance (1 of 4 stars; one submission).

gnomAD v4.1: 4 of 1,613,610 alleles (0.00025%); highest among the groups gnomAD compares: Non-Finnish European, 0.00025%; no homozygotes.

Submission:

GeneDx
Classification: Uncertain significance. Last evaluated: 2024-08-03. Review status: criteria provided, single submitter. Criteria: GeneDx Variant Classification Process June 2021. Collection method: clinical testing. Allele origin: germline. Affected: yes.
Comment: Not observed at significant frequency in large population cohorts (gnomAD); In silico analysis indicates that this missense variant does not alter protein structure/function; Has not been previously published as pathogenic or benign to our knowledge